The following is an entry in ClinVar:

NM_000890.5(KCNJ5):c.659G>T (p.Arg220Leu)

Gene: KCNJ5 (potassium inwardly rectifying channel subfamily J member 5; plus strand). Cytogenetic location: 11q24.3.
Variant type: single nucleotide variant.
Coding change: c.659G>T on transcript NM_000890.5 (MANE Select); coding-DNA position 659, G replaced by T.
Protein change: p.Arg220Leu; replaces arginine 220 with leucine.
Molecular consequence: missense variant.
Genome position (GRCh38, 1-based): chr11:128,911,932, G>T. VCF-style: chr11-128911932-G-T. GRCh37 (hg19) VCF-style: chr11-128781827-G-T.
Other names: c.659G>T (LRG_333t1); c.659G>T, p.Arg220Leu (NM_001354169.2); short protein forms R220L.
Identifiers: ClinVar variation 518836 (VCV000518836.6), dbSNP rs775915273, ClinGen allele CA383249547.

ClinVar aggregate classification (germline): Uncertain significance (1 of 4 stars; one submission).

Conditions:
Cardiovascular phenotype. Identifiers: MedGen CN230736.

Allele frequency attached by ClinVar (database versions not stated): TOPMed 0.00001.
gnomAD v4.1: 1 of 1,600,566 alleles (0.000062%); highest among the groups gnomAD compares: Non-Finnish European, 0.000085%; no homozygotes.

Submission:

Ambry Genetics
Classification: Uncertain significance for Cardiovascular phenotype. Last evaluated: 2024-04-29. Review status: criteria provided, single submitter. Criteria: Ambry Variant Classification Scheme 2023. Collection method: clinical testing. Allele origin: germline.
Comment: The p.R220L variant (also known as c.659G>T), located in coding exon 1 of the KCNJ5 gene, results from a G to T substitution at nucleotide position 659. The arginine at codon 220 is replaced by leucine, an amino acid with dissimilar properties. This amino acid position is highly conserved in available vertebrate species. In addition, this alteration is predicted to be deleterious by in silico analysis. Based on the available evidence, the clinical significance of this variant remains unclear.